The following is an entry in ClinVar:

ClinVar aggregate classification (germline): Uncertain significance (1 of 4 stars; one submission).

Conditions:
Hereditary diffuse gastric adenocarcinoma (HDGC). Also called: DIFFUSE GASTRIC AND LOBULAR BREAST CANCER SYNDROME. Identifiers: Orphanet 26106, MedGen C1708349, MONDO:0007648, OMIM 137215.

Submission:

Labcorp Genetics (formerly Invitae), Labcorp
Classification: Uncertain significance for Hereditary diffuse gastric adenocarcinoma. Last evaluated: 2021-04-18. Review status: criteria provided, single submitter. Criteria: Invitae Variant Classification Sherloc (09022015). Collection method: clinical testing. Allele origin: germline.
Comment: This sequence change replaces aspartic acid with valine at codon 479 of the CDH1 protein (p.Asp479Val). The aspartic acid residue is highly conserved and there is a large physicochemical difference between aspartic acid and valine. In summary, the available evidence is currently insufficient to determine the role of this variant in disease. Therefore, it has been classified as a Variant of Uncertain Significance. Algorithms developed to predict the effect of missense changes on protein structure and function (SIFT, PolyPhen-2, Align-GVGD) all suggest that this variant is likely to be disruptive, but these predictions have not been confirmed by published functional studies and their clinical significance is uncertain. This variant has not been reported in the literature in individuals with CDH1-related conditions. This variant is not present in population databases (ExAC no frequency).

NM_004360.5(CDH1):c.1436A>T (p.Asp479Val)

Gene: CDH1 (cadherin 1; plus strand). Cytogenetic location: 16q22.1.
Variant type: single nucleotide variant.
Coding change: c.1436A>T on transcript NM_004360.5 (MANE Select); coding-DNA position 1436, A replaced by T.
Protein change: p.Asp479Val; replaces aspartic acid 479 with valine.
Molecular consequence: missense variant. On other transcripts: 5 prime UTR variant (2).
Genome position (GRCh38, 1-based): chr16:68,815,630, A>T. VCF-style: chr16-68815630-A-T. GRCh37 (hg19) VCF-style: chr16-68849533-A-T.
Other names: c.1253A>T, p.Asp418Val (NM_001317184.2); c.-113A>T (NM_001317185.2); c.-384A>T (NM_001317186.2); short protein forms D418V, D479V.
Identifiers: ClinVar variation 1473637 (VCV001473637.8), dbSNP rs1555516131, ClinGen allele CA396463014.